The following is an entry in ClinVar:

ClinVar aggregate classification (germline): Uncertain significance (1 of 4 stars; one submission).

Submission:

GeneDx
Classification: Uncertain significance. Last evaluated: 2023-12-05. Review status: criteria provided, single submitter. Criteria: GeneDx Variant Classification Process June 2021. Collection method: clinical testing. Allele origin: germline.
Comment: Not observed at significant frequency in large population cohorts (gnomAD); In silico analysis supports that this missense variant has a deleterious effect on protein structure/function; Has not been previously published as pathogenic or benign to our knowledge

NM_001367721.1(CASK):c.421G>C (p.Asp141His)

Gene: CASK (calcium/calmodulin dependent serine protein kinase; minus strand). Cytogenetic location: Xp11.4.
Variant type: single nucleotide variant.
Coding change: c.421G>C on transcript NM_001367721.1 (MANE Select); coding-DNA position 421, G replaced by C.
Protein change: p.Asp141His; replaces aspartic acid 141 with histidine.
Molecular consequence: missense variant.
Genome position (GRCh38, 1-based): chrX:41,739,392, C>G on the plus strand (G>C on the coding strand, the complement: CASK is on the minus strand). VCF-style: chrX-41739392-C-G. GRCh37 (hg19) VCF-style: chrX-41598645-C-G.
Other names: c.421G>C, p.Asp141His (NM_001126054.3, NM_001126055.3, NM_001410745.1 and 1 more transcripts); short protein forms D141H.
Identifiers: ClinVar variation 2662370 (VCV002662370.2), dbSNP rs2519494557, ClinGen allele CA413002793.